The following is an entry in ClinVar:

ClinVar aggregate classification (germline): Uncertain significance. Review status: criteria provided, multiple submitters, no conflicts (2 of 4 stars). 2 submissions from 2 submitters: Uncertain significance (2). Last evaluated 2025-11-05.

Conditions:
Inborn genetic diseases. Identifiers: MedGen C0950123, MeSH D030342.
Granulomatous disease, chronic, X-linked. Also called: CYTOCHROME b-NEGATIVE GRANULOMATOUS DISEASE, CHRONIC, X-LINKED; GRANULOMATOUS DISEASE, CHRONIC, X-LINKED, SOMATIC MOSAIC. Identifiers: Orphanet 379, MedGen C1844376, MONDO:0010600, OMIM 306400.

Submissions (2):

Ambry Genetics
Classification: Uncertain significance for Inborn genetic diseases. Last evaluated: 2025-11-05. Review status: criteria provided, single submitter. Criteria: Ambry Variant Classification Scheme 2023. Collection method: clinical testing. Allele origin: germline.

Labcorp Genetics (formerly Invitae), Labcorp
Classification: Uncertain significance for Granulomatous disease, chronic, X-linked. Last evaluated: 2022-10-10. Review status: criteria provided, single submitter. Criteria: Invitae Variant Classification Sherloc (09022015). Collection method: clinical testing. Allele origin: germline.
Comment: Advanced modeling of protein sequence and biophysical properties (such as structural, functional, and spatial information, amino acid conservation, physicochemical variation, residue mobility, and thermodynamic stability) performed at Invitae indicates that this missense variant is not expected to disrupt CYBB protein function. In summary, the available evidence is currently insufficient to determine the role of this variant in disease. Therefore, it has been classified as a Variant of Uncertain Significance. This variant has not been reported in the literature in individuals affected with CYBB-related conditions. This variant is not present in population databases (gnomAD no frequency). This sequence change replaces threonine, which is neutral and polar, with arginine, which is basic and polar, at codon 242 of the CYBB protein (p.Thr242Arg).

NM_000397.4(CYBB):c.725C>G (p.Thr242Arg)

Gene: CYBB (cytochrome b-245 beta chain; plus strand). Cytogenetic location: Xp21.1.
Variant type: single nucleotide variant.
Coding change: c.725C>G on transcript NM_000397.4 (MANE Select); coding-DNA position 725, C replaced by G.
Protein change: p.Thr242Arg; replaces threonine 242 with arginine.
Molecular consequence: missense variant.
Genome position (GRCh38, 1-based): chrX:37,799,005, C>G. VCF-style: chrX-37799005-C-G. GRCh37 (hg19) VCF-style: chrX-37658258-C-G.
Other names: short protein forms T242R.
Identifiers: ClinVar variation 1984095 (VCV001984095.5), dbSNP rs781952030, ClinGen allele CA412976577.